The following is an entry in ClinVar:

NM_005045.4(RELN):c.3888A>T (p.Lys1296Asn)

Gene: RELN (reelin; minus strand). Cytogenetic location: 7q22.1.
Variant type: single nucleotide variant.
Coding change: c.3888A>T on transcript NM_005045.4 (MANE Select); coding-DNA position 3888, A replaced by T.
Protein change: p.Lys1296Asn; replaces lysine 1296 with asparagine.
Molecular consequence: missense variant.
Genome position (GRCh38, 1-based): chr7:103,593,706, T>A on the plus strand (A>T on the coding strand, the complement: RELN is on the minus strand). VCF-style: chr7-103593706-T-A. GRCh37 (hg19) VCF-style: chr7-103234153-T-A.
Other names: c.3888A>T, p.Lys1296Asn (NM_173054.3); c.3888A>T (NM_005045.3); short protein forms K1296N.
Identifiers: ClinVar variation 1061513 (VCV001061513.8), dbSNP rs745587949, ClinGen allele CA4421654.
Genomic context (GRCh38, chr7:103,593,706, plus strand): 5'-TTAACTTGCTCTGGGAAGAAGCTTGTGCATAAATACCTTGAACTGTAGCACATATCCAGG[T>A]TTCAGGGTCAAATCTCGAGTTACTGCAAATCGATCTCCATCTGATTTTCCAAATATCATT-3'
Protein context (NP_005036.2, residues 1286-1306): RFAVTRDLTL[Lys1296Asn]PGYVLQFKLN

ClinVar aggregate classification (germline): Uncertain significance. Review status: criteria provided, multiple submitters, no conflicts (2 of 4 stars). 2 submissions from 2 submitters: Uncertain significance (2). Last evaluated 2026-03-27.

Conditions:
Familial temporal lobe epilepsy 7. Identifiers: Orphanet 101046, MedGen C4225327, MONDO:0014639, OMIM 616436.
Norman-Roberts syndrome (LIS2). Also called: Lissencephaly 2 (Norman-Roberts type). Identifiers: Orphanet 89844, MedGen C0796089, MONDO:0009760, OMIM 257320.
Inborn genetic diseases. Identifiers: MedGen C0950123, MeSH D030342.

Allele frequency attached by ClinVar (database versions not stated): gnomAD exomes below 0.00001 and 0.00001; TOPMed below 0.00001; ExAC 0.00002.
gnomAD v4.1: 4 of 1,613,918 alleles (0.00025%); highest among the groups gnomAD compares: Admixed American, 0.0067%; no homozygotes.

Submissions (2):

Ambry Genetics
Classification: Uncertain significance for Inborn genetic diseases. Last evaluated: 2026-03-27. Review status: criteria provided, single submitter. Criteria: Ambry Variant Classification Scheme 2023. Collection method: clinical testing. Allele origin: germline.
Comment: The c.3888A>T (p.K1296N) alteration is located in exon 27 (coding exon 27) of the RELN gene. This alteration results from a A to T substitution at nucleotide position 3888, causing the lysine (K) at amino acid position 1296 to be replaced by an asparagine (N). Based on data from gnomAD, the T allele has an overall frequency of <0.001% (1/251084) total alleles studied. The highest observed frequency was 0.003% (1/34566) of Latino alleles. Based on insufficient or conflicting evidence, the clinical significance of this alteration remains unclear.

Labcorp Genetics (formerly Invitae), Labcorp
Classification: Uncertain significance for Familial temporal lobe epilepsy 7; Norman-Roberts syndrome. Last evaluated: 2025-11-09. Review status: criteria provided, single submitter. Criteria: Invitae Variant Classification Sherloc (09022015). Collection method: clinical testing. Allele origin: germline.
Comment: This sequence change replaces lysine, which is basic and polar, with asparagine, which is neutral and polar, at codon 1296 of the RELN protein (p.Lys1296Asn). This variant is present in population databases (rs745587949, gnomAD 0.003%). This variant has not been reported in the literature in individuals affected with RELN-related conditions. ClinVar contains an entry for this variant (Variation ID: 1061513). Invitae Evidence Modeling of protein sequence and biophysical properties (such as structural, functional, and spatial information, amino acid conservation, physicochemical variation, residue mobility, and thermodynamic stability) indicates that this missense variant is not expected to disrupt RELN protein function with a negative predictive value of 80%. In summary, the available evidence is currently insufficient to determine the role of this variant in disease. Therefore, it has been classified as a Variant of Uncertain Significance.